The following is an entry in ClinVar:

ClinVar aggregate classification (germline): Pathogenic (1 of 4 stars; one submission).

Conditions:
Arrhythmogenic cardiomyopathy with wooly hair and keratoderma. Also called: PALMOPLANTAR KERATODERMA WITH LEFT VENTRICULAR CARDIOMYOPATHY AND WOOLLY HAIR; Carvajal syndrome; Arrhythmogenic cardiomyopathy with woolly hair and keratoderma; Dilated cardiomyopathy with woolly hair and keratoderma. Identifiers: Orphanet 65282, MedGen C1854063, MONDO:0011581, OMIM 605676.
Arrhythmogenic right ventricular dysplasia 8 (ARVD8). Also called: Arrhythmogenic Right Ventricular Dysplasia/Cardiomyopathy 8; ARRHYTHMOGENIC RIGHT VENTRICULAR DYSPLASIA, FAMILIAL, 8; ARRHYTHMOGENIC RIGHT VENTRICULAR CARDIOMYOPATHY 8. Identifiers: MedGen C1843896, MONDO:0011831, OMIM 607450.

Submission:

Labcorp Genetics (formerly Invitae), Labcorp
Classification: Pathogenic for Arrhythmogenic cardiomyopathy with wooly hair and keratoderma; Arrhythmogenic right ventricular dysplasia 8. Last evaluated: 2023-11-14. Review status: criteria provided, single submitter. Criteria: Invitae Variant Classification Sherloc (09022015). Collection method: clinical testing. Allele origin: germline.
Comment: This sequence change creates a premature translational stop signal (p.Gln1851*) in the DSP gene. While this is not anticipated to result in nonsense mediated decay, it is expected to disrupt the last 1021 amino acid(s) of the DSP protein. This variant is not present in population databases (gnomAD no frequency). This variant has not been reported in the literature in individuals affected with DSP-related conditions. This variant disrupts a region of the DSP protein in which other variant(s) (p.Gln2730Serfs*16) have been determined to be pathogenic (PMID: 28527814; Invitae). This suggests that this is a clinically significant region of the protein, and that variants that disrupt it are likely to be disease-causing. For these reasons, this variant has been classified as Pathogenic.

Literature cited by the submitters: PubMed 28527814.

NM_004415.4(DSP):c.5551C>T (p.Gln1851Ter)

Gene: DSP (desmoplakin; plus strand). Cytogenetic location: 6p24.3.
Variant type: single nucleotide variant.
Coding change: c.5551C>T on transcript NM_004415.4 (MANE Select); coding-DNA position 5551, C replaced by T.
Protein change: p.Gln1851Ter; replaces glutamine 1851 with a stop codon.
Molecular consequence: nonsense.
Genome position (GRCh38, 1-based): chr6:7,582,813, C>T. VCF-style: chr6-7582813-C-T. GRCh37 (hg19) VCF-style: chr6-7583046-C-T.
Other names: c.3754C>T, p.Gln1252Ter (NM_001008844.3); c.4222C>T, p.Gln1408Ter (NM_001319034.2); short protein forms Q1252*, Q1408*, Q1851*.
Identifiers: ClinVar variation 2953856 (VCV002953856.3), dbSNP rs2533936385, ClinGen allele CA362688870.